The following is an entry in ClinVar:

ClinVar aggregate classification (germline): Benign (1 of 4 stars; one submission).

Conditions:
White sponge nevus 2 (WSN2). Identifiers: MedGen C4014321, MONDO:0014346, OMIM 615785.

Allele frequency attached by ClinVar (database versions not stated): gnomAD 0.00002 and 0.00009; TOPMed 0.00003; 1000 Genomes Project 30x 0.00047; 1000 Genomes Project 0.00060; ExAC 0.00081.
gnomAD v4.1: 254 of 1,569,832 alleles (0.016%); highest among the groups gnomAD compares: South Asian, 0.26%; 4 homozygotes.

Submission:

Illumina Laboratory Services, Illumina
Classification: Benign for White sponge nevus 2. Last evaluated: 2018-01-13. Review status: criteria provided, single submitter. Criteria: ICSL Variant Classification Criteria 13 December 2019. Collection method: clinical testing. Allele origin: germline.
Comment: This variant was observed in the ICSL laboratory as part of a predisposition screen in an ostensibly healthy population. It had not been previously curated by ICSL or reported in the Human Gene Mutation Database (HGMD: prior to June 1st, 2018), and was therefore a candidate for classification through an automated scoring system. Utilizing variant allele frequency, disease prevalence and penetrance estimates, and inheritance mode, an automated score was calculated to assess if this variant is too frequent to cause the disease. Based on the score and internal cut-off values, a variant classified as benign is not then subjected to further curation. The score for this variant resulted in a classification of benign for this disease.

NM_153490.3(KRT13):c.1352G>A (p.Arg451His)

Gene: KRT13 (keratin 13; minus strand). Cytogenetic location: 17q21.2.
Variant type: single nucleotide variant.
Coding change: c.1352G>A on transcript NM_153490.3 (MANE Select); coding-DNA position 1352, G replaced by A.
Protein change: p.Arg451His; replaces arginine 451 with histidine.
Molecular consequence: missense variant. On other transcripts: 3 prime UTR variant (1).
Genome position (GRCh38, 1-based): chr17:41,501,281, C>T on the plus strand (G>A on the coding strand, the complement: KRT13 is on the minus strand). VCF-style: chr17-41501281-C-T. GRCh37 (hg19) VCF-style: chr17-39657533-C-T.
Other names: c.*63G>A (NM_002274.4); short protein forms R451H.
Identifiers: ClinVar variation 323074 (VCV000323074.5), dbSNP rs550693344, ClinGen allele CA8560407.